The following is an entry in ClinVar:

NM_004385.5(VCAN):c.3293T>A (p.Ile1098Asn)

Gene: VCAN (versican; plus strand). Cytogenetic location: 5q14.3.
Variant type: single nucleotide variant.
Coding change: c.3293T>A on transcript NM_004385.5 (MANE Select); coding-DNA position 3293, T replaced by A.
Protein change: p.Ile1098Asn; replaces isoleucine 1098 with asparagine.
Molecular consequence: missense variant. On other transcripts: intron variant (2).
Genome position (GRCh38, 1-based): chr5:83,521,599, T>A. VCF-style: chr5-83521599-T-A. GRCh37 (hg19) VCF-style: chr5-82817418-T-A.
Other names: c.1042+9203T>A (NM_001164097.2, NM_001126336.3); c.3293T>A, p.Ile1098Asn (NM_001164098.2); short protein forms I1098N.
Identifiers: ClinVar variation 3722966 (VCV003722966.2).

ClinVar aggregate classification (germline): Uncertain significance (1 of 4 stars; one submission).

Submission:

Labcorp Genetics (formerly Invitae), Labcorp
Classification: Uncertain significance. Last evaluated: 2024-10-16. Review status: criteria provided, single submitter. Criteria: Invitae Variant Classification Sherloc (09022015). Collection method: clinical testing. Allele origin: germline.
Comment: This sequence change replaces isoleucine, which is neutral and non-polar, with asparagine, which is neutral and polar, at codon 1098 of the VCAN protein (p.Ile1098Asn). This variant is not present in population databases (gnomAD no frequency). This variant has not been reported in the literature in individuals affected with VCAN-related conditions. An algorithm developed to predict the effect of missense changes on protein structure and function (PolyPhen-2) suggests that this variant is likely to be tolerated. In summary, the available evidence is currently insufficient to determine the role of this variant in disease. Therefore, it has been classified as a Variant of Uncertain Significance.